The following is an entry in ClinVar:

ClinVar aggregate classification (germline): Uncertain significance (1 of 4 stars; one submission).

Submission:

Labcorp Genetics (formerly Invitae), Labcorp
Classification: Uncertain significance. Last evaluated: 2024-08-31. Review status: criteria provided, single submitter. Criteria: Invitae Variant Classification Sherloc (09022015). Collection method: clinical testing. Allele origin: germline.
Comment: This sequence change replaces aspartic acid, which is acidic and polar, with asparagine, which is neutral and polar, at codon 818 of the NEDD4L protein (p.Asp818Asn). This variant is not present in population databases (gnomAD no frequency). This variant has not been reported in the literature in individuals affected with NEDD4L-related conditions. Invitae Evidence Modeling of protein sequence and biophysical properties (such as structural, functional, and spatial information, amino acid conservation, physicochemical variation, residue mobility, and thermodynamic stability) indicates that this missense variant is not expected to disrupt NEDD4L protein function with a negative predictive value of 80%. In summary, the available evidence is currently insufficient to determine the role of this variant in disease. Therefore, it has been classified as a Variant of Uncertain Significance.

NM_001144967.3(NEDD4L):c.2512G>A (p.Asp838Asn)

Gene: NEDD4L (NEDD4 like E3 ubiquitin protein ligase; plus strand). Cytogenetic location: 18q21.31.
Variant type: single nucleotide variant.
Coding change: c.2512G>A on transcript NM_001144967.3 (MANE Select); coding-DNA position 2512, G replaced by A.
Protein change: p.Asp838Asn; replaces aspartic acid 838 with asparagine.
Molecular consequence: missense variant.
Genome position (GRCh38, 1-based): chr18:58,387,463, G>A. VCF-style: chr18-58387463-G-A. GRCh37 (hg19) VCF-style: chr18-56054695-G-A.
Other names: c.2149G>A, p.Asp717Asn (NM_001144964.1, NM_001144965.2, NM_001144966.3); c.2488G>A, p.Asp830Asn (NM_001144968.2); c.2428G>A, p.Asp810Asn (NM_001144969.2); c.2089G>A, p.Asp697Asn (NM_001144970.3, NM_001144971.2); c.2320G>A, p.Asp774Asn (NM_001243960.2); c.2452G>A, p.Asp818Asn (NM_015277.6); short protein forms D697N, D818N, D838N, D717N, D774N, D810N, D830N.
Identifiers: ClinVar variation 3664041 (VCV003664041.2).